The following is an entry in ClinVar:

NM_005530.3(IDH3A):c.156G>T (p.Lys52Asn)

Gene: IDH3A (isocitrate dehydrogenase (NAD(+)) 3 catalytic subunit alpha; plus strand). Cytogenetic location: 15q25.1.
Variant type: single nucleotide variant.
Coding change: c.156G>T on transcript NM_005530.3 (MANE Select); coding-DNA position 156, G replaced by T.
Protein change: p.Lys52Asn; replaces lysine 52 with asparagine.
Molecular consequence: missense variant.
Genome position (GRCh38, 1-based): chr15:78,157,613, G>T. VCF-style: chr15-78157613-G-T. GRCh37 (hg19) VCF-style: chr15-78449955-G-T.
Other names: short protein forms K52N.
Identifiers: ClinVar variation 1007116 (VCV001007116.8), dbSNP rs2074635393, ClinGen allele CA393557462.

ClinVar aggregate classification (germline): Uncertain significance (1 of 4 stars; one submission).

Submission:

Labcorp Genetics (formerly Invitae), Labcorp
Classification: Uncertain significance. Last evaluated: 2024-10-23. Review status: criteria provided, single submitter. Criteria: Invitae Variant Classification Sherloc (09022015). Collection method: clinical testing. Allele origin: germline.
Comment: This sequence change replaces lysine, which is basic and polar, with asparagine, which is neutral and polar, at codon 52 of the IDH3A protein (p.Lys52Asn). This variant is not present in population databases (gnomAD no frequency). This variant has not been reported in the literature in individuals affected with IDH3A-related conditions. ClinVar contains an entry for this variant (Variation ID: 1007116). Invitae Evidence Modeling of protein sequence and biophysical properties (such as structural, functional, and spatial information, amino acid conservation, physicochemical variation, residue mobility, and thermodynamic stability) indicates that this missense variant is not expected to disrupt IDH3A protein function with a negative predictive value of 80%. In summary, the available evidence is currently insufficient to determine the role of this variant in disease. Therefore, it has been classified as a Variant of Uncertain Significance.